The following is an entry in ClinVar:

NM_004958.4(MTOR):c.3956A>G (p.Asn1319Ser)

Gene: MTOR (mechanistic target of rapamycin kinase; minus strand). Cytogenetic location: 1p36.22.
Variant type: single nucleotide variant.
Coding change: c.3956A>G on transcript NM_004958.4 (MANE Select); coding-DNA position 3956, A replaced by G.
Protein change: p.Asn1319Ser; replaces asparagine 1319 with serine.
Molecular consequence: missense variant.
Genome position (GRCh38, 1-based): chr1:11,199,692, T>C on the plus strand (A>G on the coding strand, the complement: MTOR is on the minus strand). VCF-style: chr1-11199692-T-C. GRCh37 (hg19) VCF-style: chr1-11259749-T-C.
Other names: c.3956A>G, p.Asn1319Ser (NM_001386500.1); c.2708A>G, p.Asn903Ser (NM_001386501.1); short protein forms N1319S, N903S.
Identifiers: ClinVar variation 4530878 (VCV004530878.1).

ClinVar aggregate classification (germline): Uncertain significance (1 of 4 stars; one submission).

Submission:

GeneDx
Classification: Uncertain significance. Last evaluated: 2025-05-12. Review status: criteria provided, single submitter. Criteria: GeneDx Variant Classification Process June 2021. Collection method: clinical testing. Allele origin: germline. Affected: yes.
Comment: Not observed at significant frequency in large population cohorts (gnomAD); In silico analysis supports that this missense variant has a deleterious effect on protein structure/function; Has not been previously published as pathogenic or benign to our knowledge